The following is an entry in ClinVar:

NM_016327.3(UPB1):c.506G>A (p.Arg169Gln)

Gene: UPB1 (beta-ureidopropionase 1; plus strand). Cytogenetic location: 22q11.23.
Variant type: single nucleotide variant.
Coding change: c.506G>A on transcript NM_016327.3 (MANE Select); coding-DNA position 506, G replaced by A.
Protein change: p.Arg169Gln; replaces arginine 169 with glutamine.
Molecular consequence: missense variant.
Genome position (GRCh38, 1-based): chr22:24,513,370, G>A. VCF-style: chr22-24513370-G-A. GRCh37 (hg19) VCF-style: chr22-24909338-G-A.
Other names: short protein forms R169Q.
Identifiers: ClinVar variation 1695565 (VCV001695565.8), dbSNP rs372357415, ClinGen allele CA10153256.

ClinVar aggregate classification (germline): Uncertain significance. Review status: criteria provided, multiple submitters, no conflicts (2 of 4 stars). 3 submissions from 3 submitters: Uncertain significance (3). Last evaluated 2024-10-22.

Allele frequency attached by ClinVar (database versions not stated): ExAC 0.00002; gnomAD exomes 0.00002 and 0.00005; gnomAD 0.00004; ESP Exome Variant Server 0.00008.
gnomAD v4.1: 81 of 1,614,054 alleles (0.005%); highest among the groups gnomAD compares: Non-Finnish European, 0.0062%; 1 homozygote.

Submissions (3):

Labcorp Genetics (formerly Invitae), Labcorp
Classification: Uncertain significance. Last evaluated: 2024-10-22. Review status: criteria provided, single submitter. Criteria: Invitae Variant Classification Sherloc (09022015). Collection method: clinical testing. Allele origin: germline.
Comment: This sequence change replaces arginine, which is basic and polar, with glutamine, which is neutral and polar, at codon 169 of the UPB1 protein (p.Arg169Gln). This variant is present in population databases (rs372357415, gnomAD 0.004%). This variant has not been reported in the literature in individuals affected with UPB1-related conditions. ClinVar contains an entry for this variant (Variation ID: 1695565). Invitae Evidence Modeling of protein sequence and biophysical properties (such as structural, functional, and spatial information, amino acid conservation, physicochemical variation, residue mobility, and thermodynamic stability) indicates that this missense variant is not expected to disrupt UPB1 protein function with a negative predictive value of 80%. In summary, the available evidence is currently insufficient to determine the role of this variant in disease. Therefore, it has been classified as a Variant of Uncertain Significance.

Blueprint Genetics
Classification: Uncertain significance. Last evaluated: 2024-02-26. Review status: criteria provided, single submitter. Criteria: ACMG Guidelines, 2015. Collection method: clinical testing. Allele origin: germline.

GeneDx
Classification: Uncertain significance. Last evaluated: 2022-01-10. Review status: criteria provided, single submitter. Criteria: GeneDx Variant Classification Process June 2021. Collection method: clinical testing. Allele origin: germline. Affected: yes.
Comment: In silico analysis supports that this missense variant has a deleterious effect on protein structure/function; Has not been previously published as pathogenic or benign to our knowledge